The following is an entry in ClinVar:

NM_014476.6(PDLIM3):c.911C>G (p.Ala304Gly)

Gene: PDLIM3 (PDZ and LIM domain 3; minus strand). Cytogenetic location: 4q35.1.
Variant type: single nucleotide variant.
Coding change: c.911C>G on transcript NM_014476.6 (MANE Select); coding-DNA position 911, C replaced by G.
Protein change: p.Ala304Gly; replaces alanine 304 with glycine.
Molecular consequence: missense variant. On other transcripts: non-coding transcript variant (1).
Genome position (GRCh38, 1-based): chr4:185,502,478, G>C on the plus strand (C>G on the coding strand, the complement: PDLIM3 is on the minus strand). VCF-style: chr4-185502478-G-C. GRCh37 (hg19) VCF-style: chr4-186423632-G-C.
Other names: c.767C>G, p.Ala256Gly (NM_001114107.5); c.647C>G, p.Ala216Gly (NM_001257962.2); c.410C>G, p.Ala137Gly (NM_001257963.2); short protein forms A304G, A137G, A216G, A256G.
Identifiers: ClinVar variation 1765866 (VCV001765866.4), dbSNP rs1210309583, ClinGen allele CA358919917.

ClinVar aggregate classification (germline): Uncertain significance. Review status: criteria provided, multiple submitters, no conflicts (2 of 4 stars). 2 submissions from 2 submitters: Uncertain significance (2). Last evaluated 2024-08-01.

Conditions:
Primary dilated cardiomyopathy (DCM). Also called: Dilated Cardiomyopathy. Identifiers: Orphanet 217604, MedGen C0007193, MeSH D002311, MONDO:0005021, HP:0001644. Inheritance: Various modes of inheritance.
Hypertrophic cardiomyopathy. Also called: HYPERTROPHIC MYOCARDIOPATHY. Identifiers: Orphanet 217569, MedGen C0007194, MeSH D002312, MONDO:0005045, HP:0001639.

Allele frequency attached by ClinVar (database versions not stated): gnomAD exomes below 0.00001; gnomAD 0.00001.
gnomAD v4.1: 2 of 1,613,920 alleles (0.00012%); highest among the groups gnomAD compares: Admixed American, 0.0033%; no homozygotes.

Submissions (2):

Labcorp Genetics (formerly Invitae), Labcorp
Classification: Uncertain significance for Hypertrophic cardiomyopathy; Primary dilated cardiomyopathy. Last evaluated: 2024-08-01. Review status: criteria provided, single submitter. Criteria: Invitae Variant Classification Sherloc (09022015). Collection method: clinical testing. Allele origin: germline.
Comment: This sequence change replaces alanine, which is neutral and non-polar, with glycine, which is neutral and non-polar, at codon 304 of the PDLIM3 protein (p.Ala304Gly). This variant is present in population databases (no rsID available, gnomAD 0.003%). This variant has not been reported in the literature in individuals affected with PDLIM3-related conditions. ClinVar contains an entry for this variant (Variation ID: 1765866). Advanced modeling of protein sequence and biophysical properties (such as structural, functional, and spatial information, amino acid conservation, physicochemical variation, residue mobility, and thermodynamic stability) performed at Invitae indicates that this missense variant is not expected to disrupt PDLIM3 protein function with a negative predictive value of 80%. In summary, the available evidence is currently insufficient to determine the role of this variant in disease. Therefore, it has been classified as a Variant of Uncertain Significance.

Ambry Genetics
Classification: Uncertain significance. Last evaluated: 2024-02-16. Review status: criteria provided, single submitter. Criteria: Ambry Variant Classification Scheme 2023. Collection method: clinical testing. Allele origin: germline.
Comment: The p.A304G variant (also known as c.911C>G), located in coding exon 8 of the PDLIM3 gene, results from a C to G substitution at nucleotide position 911. The alanine at codon 304 is replaced by glycine, an amino acid with similar properties. This amino acid position is conserved. In addition, the in silico prediction for this alteration is inconclusive. Since supporting evidence is limited at this time, the clinical significance of this alteration remains unclear.